The following is an entry in ClinVar:

ClinVar aggregate classification (germline): Uncertain significance. Review status: criteria provided, multiple submitters, no conflicts (2 of 4 stars). 4 submissions from 4 submitters: Uncertain significance (4). Last evaluated 2024-12-08.

Conditions:
Inborn genetic diseases. Identifiers: MedGen C0950123, MeSH D030342.

Allele frequency attached by ClinVar (database versions not stated): gnomAD 0.00006; TOPMed 0.00009; gnomAD exomes 0.00010 and 0.00018; ExAC 0.00017.
gnomAD v4.1: 146 of 1,613,912 alleles (0.009%); highest among the groups gnomAD compares: Admixed American, 0.075%; no homozygotes.

Submissions (4):

GeneDx
Classification: Uncertain significance. Last evaluated: 2024-12-08. Review status: criteria provided, single submitter. Criteria: GeneDx Variant Classification Process June 2021. Collection method: clinical testing. Allele origin: germline. Affected: yes.
Comment: In silico analysis indicates that this missense variant does not alter protein structure/function; Has not been previously published as pathogenic or benign to our knowledge

Ambry Genetics
Classification: Uncertain significance for Inborn genetic diseases. Last evaluated: 2024-06-28. Review status: criteria provided, single submitter. Criteria: Ambry Variant Classification Scheme 2023. Collection method: clinical testing. Allele origin: germline.

Blueprint Genetics
Classification: Uncertain significance. Last evaluated: 2023-11-01. Review status: criteria provided, single submitter. Criteria: ACMG Guidelines, 2015. Collection method: clinical testing. Allele origin: germline.

Labcorp Genetics (formerly Invitae), Labcorp
Classification: Uncertain significance. Last evaluated: 2022-08-21. Review status: criteria provided, single submitter. Criteria: Invitae Variant Classification Sherloc (09022015). Collection method: clinical testing. Allele origin: germline.
Comment: This sequence change replaces proline, which is neutral and non-polar, with arginine, which is basic and polar, at codon 27 of the NDUFV1 protein (p.Pro27Arg). This variant is present in population databases (rs754664225, gnomAD 0.1%). This variant has not been reported in the literature in individuals affected with NDUFV1-related conditions. ClinVar contains an entry for this variant (Variation ID: 214847). Algorithms developed to predict the effect of missense changes on protein structure and function are either unavailable or do not agree on the potential impact of this missense change (SIFT: "Deleterious"; PolyPhen-2: "Benign"; Align-GVGD: "Class C0"). In summary, the available evidence is currently insufficient to determine the role of this variant in disease. Therefore, it has been classified as a Variant of Uncertain Significance.

NM_007103.4(NDUFV1):c.80C>G (p.Pro27Arg)

Gene: NDUFV1 (NADH:ubiquinone oxidoreductase core subunit V1; plus strand). Cytogenetic location: 11q13.2.
Variant type: single nucleotide variant.
Coding change: c.80C>G on transcript NM_007103.4 (MANE Select); coding-DNA position 80, C replaced by G.
Protein change: p.Pro27Arg; replaces proline 27 with arginine.
Molecular consequence: missense variant.
Genome position (GRCh38, 1-based): chr11:67,608,403, C>G. VCF-style: chr11-67608403-C-G. GRCh37 (hg19) VCF-style: chr11-67375874-C-G.
Other names: p.P27R:CCC>CGC; c.53C>G, p.Pro18Arg (NM_001166102.2); short protein forms P27R, P18R.
Identifiers: ClinVar variation 214847 (VCV000214847.9), dbSNP rs754664225, ClinGen allele CA323262.